The following is an entry in ClinVar:

ClinVar aggregate classification (germline): Likely benign. Review status: criteria provided, multiple submitters, no conflicts (2 of 4 stars). 3 submissions from 3 submitters: Likely benign (3). Last evaluated 2024-02-27.

Conditions:
Benign neonatal seizures. Also called: Benign familial neonatal seizures; Benign familial neonatal epilepsy; Convulsions benign familial neonatal dominant form; Autosomal dominant form of benign neonatal seizures; Benign neonatal familial convulsions. Identifiers: Orphanet 1949, MedGen C0220669, MONDO:0016027.

Allele frequency attached by ClinVar (database versions not stated): gnomAD 0.00001; TOPMed 0.00001.
gnomAD v4.1: 23 of 1,319,404 alleles (0.0017%); highest among the groups gnomAD compares: Non-Finnish European, 0.0021%; no homozygotes.

Submissions (3):

Blueprint Genetics
Classification: Likely benign. Last evaluated: 2024-02-27. Review status: criteria provided, single submitter. Criteria: ACMG Guidelines, 2015. Collection method: clinical testing. Allele origin: germline.

Labcorp Genetics (formerly Invitae), Labcorp
Classification: Likely benign for Benign neonatal seizures. Last evaluated: 2022-11-19. Review status: criteria provided, single submitter. Criteria: Invitae Variant Classification Sherloc (09022015). Collection method: clinical testing. Allele origin: germline.

GeneDx
Classification: Likely benign. Last evaluated: 2017-10-24. Review status: criteria provided, single submitter. Criteria: GeneDx Variant Classification (06012015). Collection method: clinical testing. Allele origin: germline. Affected: yes.
Comment: This variant is considered likely benign or benign based on one or more of the following criteria: it is a conservative change, it occurs at a poorly conserved position in the protein, it is predicted to be benign by multiple in silico algorithms, and/or has population frequency not consistent with disease.

NM_004519.4(KCNQ3):c.81C>T (p.Asn27=)

Gene: KCNQ3 (potassium voltage-gated channel subfamily Q member 3; minus strand). Cytogenetic location: 8q24.22.
Variant type: single nucleotide variant.
Coding change: c.81C>T on transcript NM_004519.4 (MANE Select); coding-DNA position 81, C replaced by T.
Protein change: p.Asn27=; no amino-acid change (asparagine 27 retained).
Molecular consequence: synonymous variant.
Genome position (GRCh38, 1-based): chr8:132,480,452, G>A on the plus strand (C>T on the coding strand, the complement: KCNQ3 is on the minus strand). VCF-style: chr8-132480452-G-A. GRCh37 (hg19) VCF-style: chr8-133492699-G-A.
Identifiers: ClinVar variation 512815 (VCV000512815.12), dbSNP rs1271630840, ClinGen allele CA463072850.